The following is an entry in ClinVar:

ClinVar aggregate classification (germline): Uncertain significance (1 of 4 stars; one submission).

Conditions:
Melanoma, cutaneous malignant, susceptibility to, 5. Also called: Cutaneous malignant melanoma 5. Identifiers: Orphanet 618, MedGen C2751295, MONDO:0013133, OMIM 613099.

Allele frequency attached by ClinVar (database versions not stated): ExAC 0.00005; gnomAD exomes 0.00006 and 0.00013; ESP Exome Variant Server 0.00008; TOPMed 0.00008; gnomAD 0.00009.
gnomAD v4.1: 193 of 1,606,716 alleles (0.012%); highest among the groups gnomAD compares: Non-Finnish European, 0.016%; no homozygotes.

Submission:

Labcorp Genetics (formerly Invitae), Labcorp
Classification: Uncertain significance for Melanoma, cutaneous malignant, susceptibility to, 5. Last evaluated: 2025-01-08. Review status: criteria provided, single submitter. Criteria: Invitae Variant Classification Sherloc (09022015). Collection method: clinical testing. Allele origin: germline.
Comment: This sequence change replaces serine, which is neutral and polar, with asparagine, which is neutral and polar, at codon 131 of the MC1R protein (p.Ser131Asn). This variant is present in population databases (rs370094672, gnomAD 0.01%). This missense change has been observed in individual(s) with melanoma (PMID: 16982779, 22095472, 23360207). ClinVar contains an entry for this variant (Variation ID: 1487059). Invitae Evidence Modeling of protein sequence and biophysical properties (such as structural, functional, and spatial information, amino acid conservation, physicochemical variation, residue mobility, and thermodynamic stability) indicates that this missense variant is expected to disrupt MC1R protein function with a positive predictive value of 80%. In summary, the available evidence is currently insufficient to determine the role of this variant in disease. Therefore, it has been classified as a Variant of Uncertain Significance.

Literature cited by the submitters: PubMed 16982779; PubMed 22095472; PubMed 23360207.

NM_002386.4(MC1R):c.392G>A (p.Ser131Asn)

Gene: MC1R (melanocortin 1 receptor; plus strand). Cytogenetic location: 16q24.3.
Variant type: single nucleotide variant.
Coding change: c.392G>A on transcript NM_002386.4 (MANE Select); coding-DNA position 392, G replaced by A.
Protein change: p.Ser131Asn; replaces serine 131 with asparagine.
Molecular consequence: missense variant.
Genome position (GRCh38, 1-based): chr16:89,919,650, G>A. VCF-style: chr16-89919650-G-A. GRCh37 (hg19) VCF-style: chr16-89986058-G-A.
Other names: short protein forms S131N.
Identifiers: ClinVar variation 1487059 (VCV001487059.6), dbSNP rs370094672, ClinGen allele CA8255576.